The following is an entry in ClinVar:

NM_024339.5(THOC6):c.436G>A (p.Gly146Arg)

Gene: THOC6 (THO complex subunit 6; plus strand). Cytogenetic location: 16p13.3.
Variant type: single nucleotide variant.
Coding change: c.436G>A on transcript NM_024339.5 (MANE Select); coding-DNA position 436, G replaced by A.
Protein change: p.Gly146Arg; replaces glycine 146 with arginine.
Molecular consequence: missense variant.
Genome position (GRCh38, 1-based): chr16:3,026,540, G>A. VCF-style: chr16-3026540-G-A. GRCh37 (hg19) VCF-style: chr16-3076541-G-A.
Other names: c.436G>A, p.Gly146Arg (NM_001142350.3, NM_001347704.2); c.364G>A, p.Gly122Arg (NM_001347703.2); short protein forms G122R, G146R.
Identifiers: ClinVar variation 1034037 (VCV001034037.1), dbSNP rs753642001, ClinGen allele CA7854994.
Genomic context (GRCh38, chr16:3,026,540, plus strand): 5'-GACATTGACTTTCTGCCTCATCCTGCTCCTCCACAGGAGAATTCCCTCATCCTGGCTGGG[G>A]GAGACTGTCAGTTGCACACTATGGACCTTGAAACTGGGACTTTCACGGTGAGCAGGGTCC-3'
Protein context (NP_077315.2, residues 136-156): PKENSLILAG[Gly146Arg]DCQLHTMDLE

ClinVar aggregate classification (germline): Uncertain significance (1 of 4 stars; one submission).

Conditions:
THOC6-related developmental delay-microcephaly-facial dysmorphism syndrome. Also called: Microcephaly, mental retardation, and distinctive facies, with cardiac and genitourinary malformations; THOC6 Intellectual Disability Syndrome; Beaulieu-Boycott-Innes syndrome. Identifiers: Orphanet 363444, MedGen C3150939, MONDO:0013362, OMIM 613680.

Allele frequency attached by ClinVar (database versions not stated): TOPMed below 0.00001; ExAC 0.00001.

Submission:

Baylor Genetics
Classification: Uncertain significance for THOC6-related developmental delay-microcephaly-facial dysmorphism syndrome. Last evaluated: 2018-01-10. Review status: criteria provided, single submitter. Criteria: ACMG Guidelines, 2015. Collection method: clinical testing. Allele origin: unknown. Affected: yes.
Comment: This variant was determined to be of uncertain significance according to ACMG Guidelines, 2015 [PMID:25741868].